The following is an entry in ClinVar:

NM_001369.3(DNAH5):c.11211+4A>T

Gene: DNAH5 (dynein axonemal heavy chain 5; minus strand). Cytogenetic location: 5p15.2.
Variant type: single nucleotide variant.
Coding change: c.11211+4A>T on transcript NM_001369.3 (MANE Select); 4 bases into the intron after coding-DNA position 11211, A replaced by T.
Molecular consequence: intron variant.
Genome position (GRCh38, 1-based): chr5:13,751,074, T>A on the plus strand (A>T on the coding strand, the complement: DNAH5 is on the minus strand). VCF-style: chr5-13751074-T-A. GRCh37 (hg19) VCF-style: chr5-13751183-T-A.
Identifiers: ClinVar variation 2447004 (VCV002447004.2), dbSNP rs2546607913, ClinGen allele CA2580072124.

ClinVar aggregate classification (germline): Uncertain significance (1 of 4 stars; one submission).

Conditions:
Primary ciliary dyskinesia. Also called: Ciliary dyskinesia. Identifiers: Orphanet 244, MedGen C0008780, MONDO:0016575, HP:0012265.

Submission:

Ambry Genetics
Classification: Uncertain significance for Primary ciliary dyskinesia. Last evaluated: 2022-11-02. Review status: criteria provided, single submitter. Criteria: Ambry Variant Classification Scheme 2023. Collection method: clinical testing. Allele origin: germline.
Comment: The c.11211+4A>T intronic variant results from an A to T substitution 4 nucleotides after coding exon 65 in the DNAH5 gene. This nucleotide position is not well conserved in available vertebrate species. In silico splice site analysis for this alteration is inconclusive. Since supporting evidence is limited at this time, the clinical significance of this alteration remains unclear.